The following is an entry in ClinVar:

NM_001267550.2(TTN):c.77969A>G (p.Glu25990Gly)

Genes: TTN (titin; minus strand), TTN-AS1 (TTN antisense RNA 1; plus strand). Cytogenetic location: 2q31.2.
Variant type: single nucleotide variant.
Coding change: c.77969A>G on transcript NM_001267550.2 (MANE Select); coding-DNA position 77969, A replaced by G.
Protein change: p.Glu25990Gly; replaces glutamic acid 25990 with glycine.
Molecular consequence: missense variant.
Genome position (GRCh38, 1-based): chr2:178,568,163, T>C on the plus strand (A>G on the coding strand, the complement: TTN is on the minus strand). VCF-style: chr2-178568163-T-C. GRCh37 (hg19) VCF-style: chr2-179432890-T-C.
Other names: c.73046A>G, p.Glu24349Gly (NM_001256850.1); c.50774A>G, p.Glu16925Gly (NM_003319.4); c.70265A>G, p.Glu23422Gly (NM_133378.4); c.51149A>G, p.Glu17050Gly (NM_133432.3); c.51350A>G, p.Glu17117Gly (NM_133437.4); short protein forms E16925G, E17050G, E17117G, E23422G, E24349G, E25990G.
Identifiers: ClinVar variation 2498029 (VCV002498029.1), dbSNP rs2468351731, ClinGen allele CA349604039.

ClinVar aggregate classification (germline): Uncertain significance (1 of 4 stars; one submission).

Allele frequency attached by ClinVar (database versions not stated): gnomAD exomes below 0.00001.
gnomAD v4.1: 1 of 1,613,514 alleles (0.000062%); highest among the groups gnomAD compares: South Asian, 0.0011%; no homozygotes.

Submission:

GeneDx
Classification: Uncertain significance. Last evaluated: 2022-10-05. Review status: criteria provided, single submitter. Criteria: GeneDx Variant Classification Process June 2021. Collection method: clinical testing. Allele origin: germline. Affected: yes.
Comment: Not observed at significant frequency in large population cohorts (gnomAD); Missense variant in a gene in which most reported pathogenic variants are truncating/loss of function; Has not been previously published as pathogenic or benign to our knowledge